The following is an entry in ClinVar:

ClinVar aggregate classification (germline): Conflicting classifications of pathogenicity. Review status: criteria provided, conflicting classifications (1 of 4 stars). 2 submissions from 2 submitters: Uncertain significance (1); Likely benign (1). Last evaluated 2025-06-17.

Conditions:
Hereditary cancer-predisposing syndrome. Also called: Hereditary neoplastic syndrome; Hereditary Cancer Syndrome; Neoplastic Syndromes, Hereditary; Tumor predisposition. Identifiers: Orphanet 140162, MedGen C0027672, MeSH D009386, MONDO:0015356.
Tuberous sclerosis 2 (TSC2). Identifiers: Orphanet 805, MedGen C1860707, MONDO:0013199, OMIM 613254.

Submissions (2):

Ambry Genetics
Classification: Likely benign for Hereditary cancer-predisposing syndrome. Last evaluated: 2025-06-17. Review status: criteria provided, single submitter. Criteria: Ambry Variant Classification Scheme 2023. Collection method: clinical testing. Allele origin: germline.

Labcorp Genetics (formerly Invitae), Labcorp
Classification: Uncertain significance for Tuberous sclerosis 2. Last evaluated: 2023-06-05. Review status: criteria provided, single submitter. Criteria: Invitae Variant Classification Sherloc (09022015). Collection method: clinical testing. Allele origin: germline.
Comment: This variant has not been reported in the literature in individuals affected with TSC2-related conditions. This variant is present in population databases (rs778133480, gnomAD 0.003%). This sequence change falls in intron 41 of the TSC2 gene. It does not directly change the encoded amino acid sequence of the TSC2 protein. Algorithms developed to predict the effect of sequence changes on RNA splicing suggest that this variant may create or strengthen a splice site. In summary, the available evidence is currently insufficient to determine the role of this variant in disease. Therefore, it has been classified as a Variant of Uncertain Significance.

NM_000548.5(TSC2):c.5260-10_5260-5del

Gene: TSC2 (TSC complex subunit 2; plus strand). Cytogenetic location: 16p13.3.
Variant type: Deletion.
Coding change: c.5260-10_5260-5del on transcript NM_000548.5 (MANE Select); 10 bases into the intron before coding-DNA position 5260 through 5 bases into the intron before coding-DNA position 5260, 6 bases deleted (CTGCCT; older notation c.5260-10_5260-5delCTGCCT).
Molecular consequence: intron variant.
Genome position (GRCh38, 1-based): chr16:2,088,436-2,088,441, CTGCCT deleted; deleting any 6 consecutive bases within chr16:2,088,432-2,088,441 gives the same sequence; the c. name uses the placement nearest the transcript's 3' end. VCF-style (leftmost placement, unchanged base first): chr16-2088431-CGCCTCT-C. GRCh37 (hg19) VCF-style: chr16-2138432-CGCCTCT-C.
Other names: c.5260-10_5260-5delCTGCCT (NM_000548.3); c.3718-10_3718-5del (NM_001406693.1, NM_001406692.1, NM_001406694.1); c.5152-10_5152-5del (NM_001406667.1); c.5149-10_5149-5del (NM_001406668.1); c.4660-10_4660-5del (NM_001406680.1); c.4591-10_4591-5del (NM_001406683.1, NM_001406682.1); c.4459-10_4459-5del (NM_001406687.1, NM_001406688.1); c.3847-10_3847-5del (NM_001406689.1); and 28 more.
Identifiers: ClinVar variation 2730814 (VCV002730814.5), dbSNP rs778133480, ClinGen allele CA054721.